The following is an entry in ClinVar:

ClinVar aggregate classification (germline): Uncertain significance (1 of 4 stars; one submission).

Conditions:
Vitamin B2 deficiency. Identifiers: MedGen C0035528.

gnomAD v4.1: 95 of 1,613,974 alleles (0.0059%); highest among the groups gnomAD compares: Non-Finnish European, 0.00042%; no homozygotes.

Submission:

Labcorp Genetics (formerly Invitae), Labcorp
Classification: Uncertain significance for Vitamin B2 deficiency. Last evaluated: 2025-05-30. Review status: criteria provided, single submitter. Criteria: Invitae Variant Classification Sherloc (09022015). Collection method: clinical testing. Allele origin: germline.
Comment: This sequence change replaces glutamine, which is neutral and polar, with histidine, which is basic and polar, at codon 108 of the SLC52A1 protein (p.Gln108His). This variant is present in population databases (rs765575367, gnomAD 0.1%), and has an allele count higher than expected for a pathogenic variant. This variant has not been reported in the literature in individuals affected with SLC52A1-related conditions. Invitae Evidence Modeling of protein sequence and biophysical properties (such as structural, functional, and spatial information, amino acid conservation, physicochemical variation, residue mobility, and thermodynamic stability) indicates that this missense variant is not expected to disrupt SLC52A1 protein function with a negative predictive value of 80%. In summary, the available evidence is currently insufficient to determine the role of this variant in disease. Therefore, it has been classified as a Variant of Uncertain Significance.

NM_017986.4(SLC52A1):c.324G>C (p.Gln108His)

Gene: SLC52A1 (solute carrier family 52 member 1; minus strand). Cytogenetic location: 17p13.2.
Variant type: single nucleotide variant.
Coding change: c.324G>C on transcript NM_017986.4 (MANE Select); coding-DNA position 324, G replaced by C.
Protein change: p.Gln108His; replaces glutamine 108 with histidine.
Molecular consequence: missense variant.
Genome position (GRCh38, 1-based): chr17:5,034,165, C>G on the plus strand (G>C on the coding strand, the complement: SLC52A1 is on the minus strand). VCF-style: chr17-5034165-C-G. GRCh37 (hg19) VCF-style: chr17-4937460-C-G.
Other names: c.324G>C, p.Gln108His (NM_001104577.2); short protein forms Q108H.
Identifiers: ClinVar variation 4708760 (VCV004708760.1).